The following is an entry in ClinVar:

NM_001377142.1(PLCB4):c.2051+8A>G

Gene: PLCB4 (phospholipase C beta 4; plus strand). Cytogenetic location: 20p12.2.
Variant type: single nucleotide variant.
Coding change: c.2051+8A>G on transcript NM_001377142.1 (MANE Select); 8 bases into the intron after coding-DNA position 2051, A replaced by G.
Molecular consequence: intron variant.
Genome position (GRCh38, 1-based): chr20:9,411,096, A>G. VCF-style: chr20-9411096-A-G. GRCh37 (hg19) VCF-style: chr20-9391743-A-G.
Other names: c.2015+8A>G (NM_001377134.2, NM_000933.4, NM_182797.3 and 2 more transcripts); c.2051+8A>G (NM_001377143.1, NM_001172646.2).
Identifiers: ClinVar variation 339571 (VCV000339571.13), dbSNP rs56772399, ClinGen allele CA9761281.

ClinVar aggregate classification (germline): Benign. Review status: criteria provided, multiple submitters, no conflicts (2 of 4 stars). 5 submissions from 5 submitters: Benign (4). 1 of the submissions does not count toward it. Last evaluated 2025-12-21.

Conditions:
Auriculocondylar syndrome 2 (ARCND2A). Also called: AURICULOCONDYLAR SYNDROME 2A. Identifiers: Orphanet 137888, MedGen C3553404, MONDO:0013845, OMIM 614669.
PLCB4-related disorder. Also called: PLCB4-related condition.

Allele frequency attached by ClinVar (database versions not stated): gnomAD exomes 0.00381 and 0.01046; ExAC 0.01296; gnomAD 0.03946 and 0.04208; TOPMed 0.04461; ESP Exome Variant Server 0.04805; 1000 Genomes Project 0.04872; 1000 Genomes Project 30x 0.05262.
gnomAD v4.1: 11,767 of 1,590,806 alleles (0.74%); highest among the groups gnomAD compares: African/African-American, 14%; 740 homozygotes.

Submissions (5):

Labcorp Genetics (formerly Invitae), Labcorp
Classification: Benign. Last evaluated: 2025-12-21. Review status: criteria provided, single submitter. Criteria: Invitae Variant Classification Sherloc (09022015). Collection method: clinical testing. Allele origin: germline.

GeneDx
Classification: Benign. Last evaluated: 2021-06-01. Review status: criteria provided, single submitter. Criteria: GeneDx Variant Classification Process June 2021. Collection method: clinical testing. Allele origin: germline. Affected: yes.

Illumina Laboratory Services, Illumina
Classification: Benign for Auriculocondylar syndrome 2. Last evaluated: 2018-01-12. Review status: criteria provided, single submitter. Criteria: ICSL Variant Classification Criteria 13 December 2019. Collection method: clinical testing. Allele origin: germline.
Comment: This variant was observed in the ICSL laboratory as part of a predisposition screen in an ostensibly healthy population. It had not been previously curated by ICSL or reported in the Human Gene Mutation Database (HGMD: prior to June 1st, 2018), and was therefore a candidate for classification through an automated scoring system. Utilizing variant allele frequency, disease prevalence and penetrance estimates, and inheritance mode, an automated score was calculated to assess if this variant is too frequent to cause the disease. Based on the score and internal cut-off values, a variant classified as benign is not then subjected to further curation. The score for this variant resulted in a classification of benign for this disease.

Breakthrough Genomics
Classification: Benign. Review status: criteria provided, single submitter. Criteria: ACMG Guidelines, 2015. Collection method: not provided. Allele origin: germline. Inheritance: Autosomal dominant inheritance. Affected: yes.

PreventionGenetics, part of Exact Sciences
Classification: Benign for PLCB4-related condition. Last evaluated: 2019-10-16. Review status: no assertion criteria provided. Collection method: clinical testing. Allele origin: germline. Not counted in ClinVar's aggregate classification.
Comment: This variant is classified as benign based on ACMG/AMP sequence variant interpretation guidelines (Richards et al. 2015 PMID: 25741868, with internal and published modifications).